The following is an entry in ClinVar:

NM_003098.3(SNTA1):c.349A>G (p.Ile117Val)

Gene: SNTA1 (syntrophin alpha 1; minus strand). Cytogenetic location: 20q11.21.
Variant type: single nucleotide variant.
Coding change: c.349A>G on transcript NM_003098.3 (MANE Select); coding-DNA position 349, A replaced by G.
Protein change: p.Ile117Val; replaces isoleucine 117 with valine.
Molecular consequence: missense variant.
Genome position (GRCh38, 1-based): chr20:33,438,988, T>C on the plus strand (A>G on the coding strand, the complement: SNTA1 is on the minus strand). VCF-style: chr20-33438988-T-C. GRCh37 (hg19) VCF-style: chr20-32026794-T-C.
Other names: short protein forms I117V.
Identifiers: ClinVar variation 1490820 (VCV001490820.8), dbSNP rs2146808266, ClinGen allele CA408633604.
Genomic context (GRCh38, chr20:33,438,988, plus strand): 5'-ACAGGATGGCATCCCCCACAAAAAGGGCCTCTGTCTGGTCAGCTGCCAATCCCTTGAAGA[T>C]CTTGGAAATGAGAATAGGCATCTTGTTCTCCCGGCCGCCTGCACAGGTACAGAAGGAGGA-3'
Protein context (NP_003089.1, residues 107-127): ENKMPILISK[Ile117Val]FKGLAADQTE

ClinVar aggregate classification (germline): Uncertain significance (1 of 4 stars; one submission).

Conditions:
Long QT syndrome (LQTS). Identifiers: MedGen C0023976, MeSH D008133, MONDO:0002442. Disease mechanism: loss of function. Inheritance: Various modes of inheritance.

Submission:

Labcorp Genetics (formerly Invitae), Labcorp
Classification: Uncertain significance for Long QT syndrome. Last evaluated: 2021-07-21. Review status: criteria provided, single submitter. Criteria: Invitae Variant Classification Sherloc (09022015). Collection method: clinical testing. Allele origin: germline.
Comment: In summary, the available evidence is currently insufficient to determine the role of this variant in disease. Therefore, it has been classified as a Variant of Uncertain Significance. Algorithms developed to predict the effect of sequence changes on RNA splicing suggest that this variant may create or strengthen a splice site. Algorithms developed to predict the effect of missense changes on protein structure and function are either unavailable or do not agree on the potential impact of this missense change (SIFT: "Deleterious"; PolyPhen-2: "Probably Damaging"; Align-GVGD: "Class C0"). This variant has not been reported in the literature in individuals affected with SNTA1-related conditions. This variant is not present in population databases (ExAC no frequency). This sequence change replaces isoleucine with valine at codon 117 of the SNTA1 protein (p.Ile117Val). The isoleucine residue is highly conserved and there is a small physicochemical difference between isoleucine and valine.